The following is an entry in ClinVar:

NM_144596.4(TTC8):c.1357_1371del (p.Leu453_Ala457del)

Gene: TTC8 (tetratricopeptide repeat domain 8; plus strand). Cytogenetic location: 14q31.3.
Variant type: Deletion.
Coding change: c.1357_1371del on transcript NM_144596.4 (MANE Select); coding-DNA positions 1357 to 1371, 15 bases deleted (CTATTACAAACTGCA).
Protein change: p.Leu453_Ala457del.
Molecular consequence: inframe deletion. On other transcripts: non-coding transcript variant (1), intron variant (2).
Genome position (GRCh38, 1-based): chr14:88,875,035-88,875,049, CTATTACAAACTGCA deleted; deleting any 15 consecutive bases within chr14:88,875,032-88,875,049 gives the same sequence; the c. name uses the placement nearest the transcript's 3' end. VCF-style (leftmost placement, unchanged base first): chr14-88875031-GGCACTATTACAAACT-G. GRCh37 (hg19) VCF-style: chr14-89341375-GGCACTATTACAAACT-G.
Other names: c.1405_1419del, p.Leu469_Ala473del (NM_001288781.1); c.763_777del, p.Leu255_Ala259del (NM_001288782.1); c.640_654del, p.Leu214_Ala218del (NM_001288783.1); c.1327_1341del, p.Leu443_Ala447del (NM_198309.3); c.1237_1251del, p.Leu413_Ala417del (NM_198310.3); c.1318-2259_1318-2245del (NM_001366535.2); c.1228-2259_1228-2245del (NM_001366536.2).
Identifiers: ClinVar variation 4884125 (VCV004884125.2).

ClinVar aggregate classification (germline): Uncertain significance (1 of 4 stars; one submission).

Submission:

Dasa
Classification: Uncertain significance. Last evaluated: 2024-08-12. Review status: criteria provided, single submitter. Criteria: DASA Assertion Criteria. Collection method: clinical testing. Allele origin: germline.
Comment: NM_144596.4(TTC8):c.1357_1371del (p.Leu453_Ala457del) is an in-frame deletion predicted to remove amino acids from leucine at protein position 453 through alanine at protein position 457 without shifting the reading frame. This variant is absent from population databases. The currently available literature and clinical evidence are not sufficient to establish a definitive association between this variant and the reported condition. Therefore, this variant is classified as a variant of uncertain significance.